The following is an entry in ClinVar:

NM_001458.5(FLNC):c.2194C>T (p.Pro732Ser)

Gene: FLNC (filamin C; plus strand). Cytogenetic location: 7q32.1.
Variant type: single nucleotide variant.
Coding change: c.2194C>T on transcript NM_001458.5 (MANE Select); coding-DNA position 2194, C replaced by T.
Protein change: p.Pro732Ser; replaces proline 732 with serine.
Molecular consequence: missense variant.
Genome position (GRCh38, 1-based): chr7:128,842,303, C>T. VCF-style: chr7-128842303-C-T. GRCh37 (hg19) VCF-style: chr7-128482357-C-T.
Other names: c.2194C>T, p.Pro732Ser (NM_001127487.2); short protein forms P732S.
Identifiers: ClinVar variation 574027 (VCV000574027.10), dbSNP rs1562994905, ClinGen allele CA369229068.

ClinVar aggregate classification (germline): Uncertain significance (1 of 4 stars; one submission).

Conditions:
Myofibrillar myopathy 5. Also called: FILAMINOPATHY, AUTOSOMAL DOMINANT; Filaminopathy (type). Identifiers: Orphanet 171445, MedGen C1836050, MONDO:0012289, OMIM 609524.
Hypertrophic cardiomyopathy 26. Also called: Cardiomyopathy, familial hypertrophic, 26. Identifiers: Orphanet 75249, MedGen C4310749, MONDO:0014883, OMIM 617047.
Distal myopathy with posterior leg and anterior hand involvement. Also called: WILLIAMS DISTAL MYOPATHY. Identifiers: Orphanet 63273, MedGen C3279722, MONDO:0013550, OMIM 614065.

Submission:

Labcorp Genetics (formerly Invitae), Labcorp
Classification: Uncertain significance for Distal myopathy with posterior leg and anterior hand involvement; Myofibrillar myopathy 5; Hypertrophic cardiomyopathy 26. Last evaluated: 2018-07-31. Review status: criteria provided, single submitter. Criteria: Invitae Variant Classification Sherloc (09022015). Collection method: clinical testing. Allele origin: germline.
Comment: This sequence change replaces proline with serine at codon 732 of the FLNC protein (p.Pro732Ser). The proline residue is highly conserved and there is a moderate physicochemical difference between proline and serine. This variant is not present in population databases (ExAC no frequency). This variant has not been reported in the literature in individuals with FLNC-related disease. Algorithms developed to predict the effect of missense changes on protein structure and function do not agree on the potential impact of this missense change (SIFT: "Deleterious"; PolyPhen-2: "Probably Damaging"; Align-GVGD: "Class C0"). In summary, the available evidence is currently insufficient to determine the role of this variant in disease. Therefore, it has been classified as a Variant of Uncertain Significance.